The following is an entry in ClinVar:

ClinVar aggregate classification (germline): Likely pathogenic (1 of 4 stars; one submission).

Conditions:
Polycystic kidney disease, adult type (PKD1). Also called: Polycystic Kidney, Autosomal Dominant; POLYCYSTIC KIDNEY DISEASE 1 WITH OR WITHOUT POLYCYSTIC LIVER DISEASE; POLYCYSTIC KIDNEY DISEASE, ADULT, TYPE I; Polycystic Kidney Disease 1, Autosomal Dominant; Polycystic kidney disease 1; Polycystic kidney disease 1, severe. Identifiers: MedGen C3149841, MONDO:0008263, OMIM 173900.

Submission:

Department of Human Genetics, Hannover Medical School
Classification: Likely pathogenic for Polycystic kidney disease, adult type. Last evaluated: 2024-09-26. Review status: criteria provided, single submitter. Criteria: ACMG Guidelines, 2015. Collection method: clinical testing. Allele origin: germline. Inheritance: Autosomal dominant inheritance. Affected: yes.
Comment: ACMG: PM2_Supporting, PP4_Strong, PP3

NM_001009944.3(PKD1):c.1606+5G>T

Gene: PKD1 (polycystin 1, transient receptor potential channel interacting; minus strand). Cytogenetic location: 16p13.3.
Variant type: single nucleotide variant.
Coding change: c.1606+5G>T on transcript NM_001009944.3 (MANE Select); 5 bases into the intron after coding-DNA position 1606, G replaced by T.
Molecular consequence: intron variant.
Genome position (GRCh38, 1-based): chr16:2,116,828, C>A on the plus strand (G>T on the coding strand, the complement: PKD1 is on the minus strand). VCF-style: chr16-2116828-C-A. GRCh37 (hg19) VCF-style: chr16-2166829-C-A.
Other names: c.1606+5G>T (NM_000296.4).
Identifiers: ClinVar variation 3341087 (VCV003341087.1).